The following is an entry in ClinVar:

NM_004525.3(LRP2):c.7969C>T (p.Gln2657Ter)

Gene: LRP2 (LDL receptor related protein 2; minus strand). Cytogenetic location: 2q31.1.
Variant type: single nucleotide variant.
Coding change: c.7969C>T on transcript NM_004525.3 (MANE Select); coding-DNA position 7969, C replaced by T.
Protein change: p.Gln2657Ter; replaces glutamine 2657 with a stop codon.
Molecular consequence: nonsense.
Genome position (GRCh38, 1-based): chr2:169,204,018, G>A on the plus strand (C>T on the coding strand, the complement: LRP2 is on the minus strand). VCF-style: chr2-169204018-G-A. GRCh37 (hg19) VCF-style: chr2-170060528-G-A.
Other names: short protein forms Q2657*.
Identifiers: ClinVar variation 5013852 (VCV005013852.1).
Genomic context (GRCh38, chr2:169,204,018, plus strand): 5'-TAATTTTCATGGTCAGTGCCTTACCTGGTGCACAGATATGGCTGCAGCCCCCATTAAACT[G>A]TTCACAAGGATTGTTACACTGTTGTTTCTGGTTCTTCACAACAGTGTTGATTCCCCTGGG-3'

ClinVar aggregate classification (germline): Pathogenic (1 of 4 stars; one submission).

Conditions:
Donnai-Barrow syndrome. Also called: DBS/FOAR SYNDROME; FACIOOCULOACOUSTICORENAL SYNDROME. Identifiers: Orphanet 2143, MedGen C1857277, MONDO:0009104, OMIM 222448.

Submission:

Myriad Genetics, Inc.
Classification: Pathogenic for Donnai-Barrow syndrome. Last evaluated: 2024-12-13. Review status: criteria provided, single submitter. Criteria: Myriad Autosomal Dominant, Autosomal Recessive and X-Linked Classification Criteria (2023). Collection method: clinical testing. Allele origin: unknown.
Comment: NM_004525.2(LRP2):c.7969C>T(Q2657*) is expected to be pathogenic in the context of Donnai-Barrow syndrome. This variant is predicted to lead to an abnormal or absent protein product due to the creation of a premature termination codon in LRP2, a gene where loss-of-function variants are known to be pathogenic. Please note: this variant was assessed in the context of healthy population screening.